The following is an entry in ClinVar:

ClinVar aggregate classification (germline): Conflicting classifications of pathogenicity. Review status: criteria provided, conflicting classifications (1 of 4 stars). 2 submissions from 2 submitters: Uncertain significance (1); Benign (1). Last evaluated 2023-10-03.

Conditions:
Inborn genetic diseases. Identifiers: MedGen C0950123, MeSH D030342.

Allele frequency attached by ClinVar (database versions not stated): ExAC 0.00003; gnomAD exomes 0.00003; TOPMed 0.00003; gnomAD 0.00005; ESP Exome Variant Server 0.00015.
gnomAD v4.1: 47 of 1,498,728 alleles (0.0031%); highest among the groups gnomAD compares: Non-Finnish European, 0.0038%; no homozygotes.

Submissions (2):

Labcorp Genetics (formerly Invitae), Labcorp
Classification: Benign. Last evaluated: 2023-10-03. Review status: criteria provided, single submitter. Criteria: Invitae Variant Classification Sherloc (09022015). Collection method: clinical testing. Allele origin: germline.

Ambry Genetics
Classification: Uncertain significance for Inborn genetic diseases. Last evaluated: 2020-11-18. Review status: criteria provided, single submitter. Criteria: Ambry Variant Classification Scheme 2023. Collection method: clinical testing. Allele origin: germline.
Comment: The c.2555+5C>T intronic alteration consists of a C to T substitution nucleotides after coding exon 21 in the FBXO11 gene. Based on insufficient or conflicting evidence, the clinical significance of this alteration remains unclear.

NM_001190274.2(FBXO11):c.2555+5C>T

Genes: FBXO11 (F-box protein 11; minus strand), MSH6 (mutS homolog 6; plus strand). Cytogenetic location: 2p16.3.
Variant type: single nucleotide variant.
Coding change: c.2555+5C>T on transcript NM_001190274.2 (MANE Select); 5 bases into the intron after coding-DNA position 2555, C replaced by T.
Molecular consequence: intron variant.
Genome position (GRCh38, 1-based): chr2:47,809,153, G>A on the plus strand (C>T on the coding strand, the complement: FBXO11 is on the minus strand). VCF-style: chr2-47809153-G-A. GRCh37 (hg19) VCF-style: chr2-48036292-G-A.
Other names: c.2555+5C>T (NM_001190274.1); c.2303+5C>T (NM_001374325.1, NM_025133.4).
Identifiers: ClinVar variation 1401771 (VCV001401771.7), dbSNP rs368811481, ClinGen allele CA068764.